The following is an entry in ClinVar:

ClinVar aggregate classification (germline): Uncertain significance (1 of 4 stars; one submission).

Conditions:
Actin accumulation myopathy (CMYO2A). Also called: Myopathy, actin, congenital, with cores; Nemaline myopathy 3, with intranuclear rods; CONGENITAL MYOPATHY 2A, TYPICAL, AUTOSOMAL DOMINANT; Nemaline myopathy type 3; Myopathy, actin, congenital, with excess of thin myofilaments. Identifiers: Orphanet 98904, MedGen C3711389, MONDO:0008070, OMIM 161800.

Submission:

Labcorp Genetics (formerly Invitae), Labcorp
Classification: Uncertain significance for Actin accumulation myopathy. Last evaluated: 2021-07-20. Review status: criteria provided, single submitter. Criteria: Invitae Variant Classification Sherloc (09022015). Collection method: clinical testing. Allele origin: germline.
Comment: In summary, the available evidence is currently insufficient to determine the role of this variant in disease. Therefore, it has been classified as a Variant of Uncertain Significance. Algorithms developed to predict the effect of missense changes on protein structure and function are either unavailable or do not agree on the potential impact of this missense change (SIFT: "Deleterious"; PolyPhen-2: "Benign"; Align-GVGD: "Class C0"). This variant has not been reported in the literature in individuals with ACTA1-related conditions. ClinVar contains an entry for this variant (Variation ID: 573874). This variant is not present in population databases (ExAC no frequency). This sequence change replaces glycine with aspartic acid at codon 344 of the ACTA1 protein (p.Gly344Asp). The glycine residue is highly conserved and there is a moderate physicochemical difference between glycine and aspartic acid.

NM_001100.4(ACTA1):c.1031G>A (p.Gly344Asp)

Gene: ACTA1 (actin alpha 1, skeletal muscle; minus strand). Cytogenetic location: 1q42.13.
Variant type: single nucleotide variant.
Coding change: c.1031G>A on transcript NM_001100.4 (MANE Select); coding-DNA position 1031, G replaced by A.
Protein change: p.Gly344Asp; replaces glycine 344 with aspartic acid.
Molecular consequence: missense variant.
Genome position (GRCh38, 1-based): chr1:229,431,602, C>T on the plus strand (G>A on the coding strand, the complement: ACTA1 is on the minus strand). VCF-style: chr1-229431602-C-T. GRCh37 (hg19) VCF-style: chr1-229567349-C-T.
Other names: short protein forms G344D.
Identifiers: ClinVar variation 573874 (VCV000573874.11), dbSNP rs1558081360, ClinGen allele CA345144733.